The following is an entry in ClinVar:

ClinVar aggregate classification (germline): Pathogenic (1 of 4 stars; one submission).

Conditions:
DICER1-related tumor predisposition. Also called: DICER1-related pleuropulmonary blastoma cancer predisposition syndrome; DICER1 syndrome. Identifiers: Orphanet 284343, MedGen C3839822, MONDO:0100216.

Submission:

Foulkes Cancer Genetics LDI, Lady Davis Institute for Medical Research
Classification: Pathogenic for Pleuropulmonary blastoma. Last evaluated: 2019-07-01. Review status: criteria provided, single submitter. Criteria: ACMG Guidelines, 2015. Collection method: curation. Allele origin: unknown. Affected: yes. Observed: 1 variant allele.
Comment: ACMG criteria met: PVS1, PM2, PP3, PP4

Literature cited by the submitters: PubMed 28177962.

NM_177438.3(DICER1):c.958A>T (p.Lys320Ter)

Gene: DICER1 (dicer 1, ribonuclease III; minus strand). Cytogenetic location: 14q32.13.
Variant type: single nucleotide variant.
Coding change: c.958A>T on transcript NM_177438.3 (MANE Select); coding-DNA position 958, A replaced by T.
Protein change: p.Lys320Ter; replaces lysine 320 with a stop codon.
Molecular consequence: nonsense.
Genome position (GRCh38, 1-based): chr14:95,124,614, T>A on the plus strand (A>T on the coding strand, the complement: DICER1 is on the minus strand). VCF-style: chr14-95124614-T-A. GRCh37 (hg19) VCF-style: chr14-95590951-T-A.
Other names: c.958A>T, p.Lys320Ter (NM_001195573.1, NM_001271282.3, NM_001291628.2 and 1 more transcripts); short protein forms K320*.
Identifiers: ClinVar variation 933006 (VCV000933006.3), dbSNP rs1461043339, ClinGen allele CA390887289.